The following is an entry in ClinVar:

NM_004836.7(EIF2AK3):c.1127A>C (p.Glu376Ala)

Gene: EIF2AK3 (eukaryotic translation initiation factor 2 alpha kinase 3; minus strand). Cytogenetic location: 2p11.2.
Variant type: single nucleotide variant.
Coding change: c.1127A>C on transcript NM_004836.7 (MANE Select); coding-DNA position 1127, A replaced by C.
Protein change: p.Glu376Ala; replaces glutamic acid 376 with alanine.
Molecular consequence: missense variant.
Genome position (GRCh38, 1-based): chr2:88,590,481, T>G on the plus strand (A>C on the coding strand, the complement: EIF2AK3 is on the minus strand). VCF-style: chr2-88590481-T-G. GRCh37 (hg19) VCF-style: chr2-88889999-T-G.
Other names: c.674A>C, p.Glu225Ala (NM_001313915.2); short protein forms E376A, E225A.
Identifiers: ClinVar variation 1999958 (VCV001999958.4), dbSNP rs1007871504, ClinGen allele CA51496270.

ClinVar aggregate classification (germline): Uncertain significance (1 of 4 stars; one submission).

Allele frequency attached by ClinVar (database versions not stated): gnomAD 0.00001.

Submission:

Labcorp Genetics (formerly Invitae), Labcorp
Classification: Uncertain significance. Last evaluated: 2025-06-12. Review status: criteria provided, single submitter. Criteria: Invitae Variant Classification Sherloc (09022015). Collection method: clinical testing. Allele origin: germline.
Comment: This sequence change replaces glutamic acid, which is acidic and polar, with alanine, which is neutral and non-polar, at codon 376 of the EIF2AK3 protein (p.Glu376Ala). This variant is not present in population databases (gnomAD no frequency). This variant has not been reported in the literature in individuals affected with EIF2AK3-related conditions. ClinVar contains an entry for this variant (Variation ID: 1999958). An algorithm developed to predict the effect of missense changes on protein structure and function (PolyPhen-2) suggests that this variant is likely to be tolerated. In summary, the available evidence is currently insufficient to determine the role of this variant in disease. Therefore, it has been classified as a Variant of Uncertain Significance.